The following is an entry in ClinVar:

ClinVar aggregate classification (germline): Uncertain significance (1 of 4 stars; one submission).

Allele frequency attached by ClinVar (database versions not stated): ExAC 0.00002; gnomAD 0.00001; TOPMed 0.00002.
gnomAD v4.1: 60 of 1,613,320 alleles (0.0037%); highest among the groups gnomAD compares: Non-Finnish European, 0.0048%; no homozygotes.

Submission:

Labcorp Genetics (formerly Invitae), Labcorp
Classification: Uncertain significance. Last evaluated: 2025-11-06. Review status: criteria provided, single submitter. Criteria: Invitae Variant Classification Sherloc (09022015). Collection method: clinical testing. Allele origin: germline.
Comment: This sequence change replaces arginine, which is basic and polar, with cysteine, which is neutral and slightly polar, at codon 524 of the ERBB4 protein (p.Arg524Cys). This variant is present in population databases (rs771154734, gnomAD 0.004%). This variant has not been reported in the literature in individuals affected with ERBB4-related conditions. ClinVar contains an entry for this variant (Variation ID: 2989097). Invitae Evidence Modeling of protein sequence and biophysical properties (such as structural, functional, and spatial information, amino acid conservation, physicochemical variation, residue mobility, and thermodynamic stability) indicates that this missense variant is not expected to disrupt ERBB4 protein function with a negative predictive value of 80%. In summary, the available evidence is currently insufficient to determine the role of this variant in disease. Therefore, it has been classified as a Variant of Uncertain Significance.

NM_005235.3(ERBB4):c.1570C>T (p.Arg524Cys)

Gene: ERBB4 (erb-b2 receptor tyrosine kinase 4; minus strand). Cytogenetic location: 2q34.
Variant type: single nucleotide variant.
Coding change: c.1570C>T on transcript NM_005235.3 (MANE Select); coding-DNA position 1570, C replaced by T.
Protein change: p.Arg524Cys; replaces arginine 524 with cysteine.
Molecular consequence: missense variant.
Genome position (GRCh38, 1-based): chr2:211,679,104, G>A on the plus strand (C>T on the coding strand, the complement: ERBB4 is on the minus strand). VCF-style: chr2-211679104-G-A. GRCh37 (hg19) VCF-style: chr2-212543829-G-A.
Other names: c.1570C>T, p.Arg524Cys (NM_001042599.2); short protein forms R524C.
Identifiers: ClinVar variation 2989097 (VCV002989097.2), dbSNP rs771154734, ClinGen allele CA2088103.